The following is an entry in ClinVar:

ClinVar aggregate classification (germline): Likely benign. Review status: criteria provided, multiple submitters, no conflicts (2 of 4 stars). 4 submissions from 4 submitters: Likely benign (4). Last evaluated 2026-01-24.

Conditions:
Donnai-Barrow syndrome. Also called: DBS/FOAR SYNDROME; FACIOOCULOACOUSTICORENAL SYNDROME. Identifiers: Orphanet 2143, MedGen C1857277, MONDO:0009104, OMIM 222448.

Allele frequency attached by ClinVar (database versions not stated): ExAC 0.00005; TOPMed 0.00005; gnomAD exomes 0.00006 and 0.00009; gnomAD 0.00010 and 0.00011.
gnomAD v4.1: 150 of 1,614,090 alleles (0.0093%); highest among the groups gnomAD compares: Non-Finnish European, 0.012%; no homozygotes.

Submissions (4):

Labcorp Genetics (formerly Invitae), Labcorp
Classification: Likely benign. Last evaluated: 2026-01-24. Review status: criteria provided, single submitter. Criteria: Invitae Variant Classification Sherloc (09022015). Collection method: clinical testing. Allele origin: germline.

Blueprint Genetics
Classification: Likely benign. Last evaluated: 2024-11-13. Review status: criteria provided, single submitter. Criteria: ACMG Guidelines, 2015. Collection method: clinical testing. Allele origin: germline.

CeGaT Center for Human Genetics Tuebingen
Classification: Likely benign. Last evaluated: 2024-07-01. Review status: criteria provided, single submitter. Criteria: CeGaT Center For Human Genetics Tuebingen Variant Classification Criteria Version 2. Collection method: clinical testing. Allele origin: germline. Affected: yes. Observed: 4 variant alleles.
Comment: LRP2: BP4, BP7

Fulgent Genetics
Classification: Likely benign for Donnai-Barrow syndrome. Last evaluated: 2021-10-08. Review status: criteria provided, single submitter. Criteria: ACMG Guidelines, 2015. Collection method: clinical testing. Allele origin: unknown.

NM_004525.3(LRP2):c.8277C>T (p.Arg2759=)

Gene: LRP2 (LDL receptor related protein 2; minus strand). Cytogenetic location: 2q31.1.
Variant type: single nucleotide variant.
Coding change: c.8277C>T on transcript NM_004525.3 (MANE Select); coding-DNA position 8277, C replaced by T.
Protein change: p.Arg2759=; no amino-acid change (arginine 2759 retained).
Molecular consequence: synonymous variant.
Genome position (GRCh38, 1-based): chr2:169,201,803, G>A on the plus strand (C>T on the coding strand, the complement: LRP2 is on the minus strand). VCF-style: chr2-169201803-G-A. GRCh37 (hg19) VCF-style: chr2-170058313-G-A.
Identifiers: ClinVar variation 1463846 (VCV001463846.33), dbSNP rs546544412, ClinGen allele CA1953894.
Genomic context (GRCh38, chr2:169,201,803, plus strand): 5'-GTCCCTGAACAGGCACCCTGCCTCATCACTGCCATCACCACAGTCATTGTAGTAATCACA[G>A]CGGTAAGAGTATTGGACACATCGCCCATTGGCACAGGTGAAGGCTGTCGGTGAGCAGGTG-3'
Protein context (NP_004516.2, residues 2749-2769): ANGRCVQYSY[Arg2759=]CDYYNDCGDG